The following is an entry in ClinVar:

NM_001457.4(FLNB):c.2744A>G (p.Gln915Arg)

Gene: FLNB (filamin B; plus strand). Cytogenetic location: 3p14.3.
Variant type: single nucleotide variant.
Coding change: c.2744A>G on transcript NM_001457.4 (MANE Select); coding-DNA position 2744, A replaced by G.
Protein change: p.Gln915Arg; replaces glutamine 915 with arginine.
Molecular consequence: missense variant.
Genome position (GRCh38, 1-based): chr3:58,112,317, A>G. VCF-style: chr3-58112317-A-G. GRCh37 (hg19) VCF-style: chr3-58098044-A-G.
Other names: c.2744A>G, p.Gln915Arg (NM_001164317.2, NM_001164318.2, NM_001164319.2); c.2744A>G (NM_001457.3); short protein forms Q915R.
Identifiers: ClinVar variation 1206417 (VCV001206417.16), dbSNP rs771989645, ClinGen allele CA2468210.

ClinVar aggregate classification (germline): Uncertain significance. Review status: criteria provided, multiple submitters, no conflicts (2 of 4 stars). 6 submissions from 6 submitters: Uncertain significance (4). 2 of the submissions do not count toward it. Last evaluated 2025-07-30.

Conditions:
Inborn genetic diseases. Identifiers: MedGen C0950123, MeSH D030342.

Allele frequency attached by ClinVar (database versions not stated): ExAC 0.00001; gnomAD 0.00001; gnomAD exomes 0.00001; TOPMed 0.00002.
gnomAD v4.1: 13 of 1,612,924 alleles (0.00081%); highest among the groups gnomAD compares: Admixed American, 0.005%; no homozygotes.

Submissions (6):

Labcorp Genetics (formerly Invitae), Labcorp
Classification: Uncertain significance. Last evaluated: 2025-07-30. Review status: criteria provided, single submitter. Criteria: Invitae Variant Classification Sherloc (09022015). Collection method: clinical testing. Allele origin: germline.
Comment: This sequence change replaces glutamine, which is neutral and polar, with arginine, which is basic and polar, at codon 915 of the FLNB protein (p.Gln915Arg). This variant is present in population databases (rs771989645, gnomAD 0.006%). This variant has not been reported in the literature in individuals affected with FLNB-related conditions. ClinVar contains an entry for this variant (Variation ID: 1206417). An algorithm developed to predict the effect of missense changes on protein structure and function (PolyPhen-2) suggests that this variant is likely to be tolerated. In summary, the available evidence is currently insufficient to determine the role of this variant in disease. Therefore, it has been classified as a Variant of Uncertain Significance.

Ambry Genetics
Classification: Uncertain significance for Inborn genetic diseases. Last evaluated: 2025-05-14. Review status: criteria provided, single submitter. Criteria: Ambry Variant Classification Scheme 2023. Collection method: clinical testing. Allele origin: germline.

ARUP Laboratories, Molecular Genetics and Genomics, ARUP Laboratories
Classification: Uncertain significance. Last evaluated: 2021-04-17. Review status: criteria provided, single submitter. Criteria: ARUP Molecular Germline Variant Investigation Process 2021. Collection method: clinical testing. Allele origin: germline.
Comment: The FLNB c.2744A>G; p.Gln915Arg variant (rs771989645), to our knowledge, is not reported in the medical literature or gene specific databases. This variant is only observed on two alleles in the Genome Aggregation Database, indicating it is not a common polymorphism. The glutamine at codon 915is highly conserved, and computational analyses predict that this variant is deleterious (REVEL: 0.762). Due to limited information, the clinical significance of the p.Gln915Arg variant is uncertain at this time.

Blueprint Genetics
Classification: Uncertain significance. Last evaluated: 2020-12-09. Review status: criteria provided, single submitter. Criteria: ACMG Guidelines, 2015. Collection method: clinical testing. Allele origin: germline.

Clinical Genetics DNA and cytogenetics Diagnostics Lab, Erasmus MC, Erasmus Medical Center
Classification: Uncertain significance. Review status: no assertion criteria provided. Collection method: clinical testing. Allele origin: germline. Affected: yes. Study: VKGL Data-share Consensus. Not counted in ClinVar's aggregate classification.

Laboratory of Diagnostic Genome Analysis, Leiden University Medical Center (LUMC)
Classification: Uncertain significance. Review status: no assertion criteria provided. Collection method: clinical testing. Allele origin: germline. Affected: yes. Study: VKGL Data-share Consensus. Not counted in ClinVar's aggregate classification.